The following is an entry in ClinVar:

ClinVar aggregate classification (germline): Benign. Review status: criteria provided, multiple submitters, no conflicts (2 of 4 stars). 2 submissions from 2 submitters: Benign (2). Last evaluated 2018-06-18.

Allele frequency attached by ClinVar (database versions not stated): ExAC 0.00517; ESP Exome Variant Server 0.01715; gnomAD 0.01720 and 0.01850; 1000 Genomes Project 0.01757; 1000 Genomes Project 30x 0.01858; TOPMed 0.01982.
gnomAD v4.1: 5,097 of 1,549,658 alleles (0.33%); highest among the groups gnomAD compares: African/African-American, 6.2%; 155 homozygotes.

Submissions (2):

GeneDx
Classification: Benign. Last evaluated: 2018-06-18. Review status: criteria provided, single submitter. Criteria: GeneDx Variant Classification (06012015). Collection method: clinical testing. Allele origin: germline. Affected: yes.
Comment: This variant is considered likely benign or benign based on one or more of the following criteria: it is a conservative change, it occurs at a poorly conserved position in the protein, it is predicted to be benign by multiple in silico algorithms, and/or has population frequency not consistent with disease.

Breakthrough Genomics
Classification: Benign. Review status: criteria provided, single submitter. Criteria: ACMG Guidelines, 2015. Collection method: not provided. Allele origin: germline. Inheritance: Autosomal recessive inheritance. Affected: yes.

NM_032578.4(MYPN):c.1079-39T>A

Gene: MYPN (myopalladin; plus strand). Cytogenetic location: 10q21.3.
Variant type: single nucleotide variant.
Coding change: c.1079-39T>A on transcript NM_032578.4 (MANE Select); 39 bases into the intron before coding-DNA position 1079, T replaced by A.
Molecular consequence: intron variant.
Genome position (GRCh38, 1-based): chr10:68,145,436, T>A. VCF-style: chr10-68145436-T-A. GRCh37 (hg19) VCF-style: chr10-69905193-T-A.
Other names: c.1079-39T>A (NM_001256267.2); c.197-39T>A (NM_001256268.2).
Identifiers: ClinVar variation 673733 (VCV000673733.2), dbSNP rs114286560, ClinGen allele CA5522422.